The following is an entry in ClinVar:

ClinVar aggregate classification (germline): Uncertain significance (1 of 4 stars; one submission).

Conditions:
Combined oxidative phosphorylation defect type 7. Identifiers: Orphanet 254930, MedGen C3150801, MONDO:0013306, OMIM 613559.
Spastic paraplegia. Identifiers: MedGen C0037772, HP:0001258.

Submission:

Labcorp Genetics (formerly Invitae), Labcorp
Classification: Uncertain significance for Combined oxidative phosphorylation deficiency 7; Spastic paraplegia. Last evaluated: 2019-06-07. Review status: criteria provided, single submitter. Criteria: Invitae Variant Classification Sherloc (09022015). Collection method: clinical testing. Allele origin: germline.
Comment: This variant results in a copy number gain of the genomic region encompassing the full coding sequence of the C12orf65 gene. The boundaries of this event are unknown as they extend beyond the assayed region for this gene and therefore may encompass additional genes. As the precise location of this event is unknown, it may be in tandem or it may be located elsewhere in the genome. This variant has not been reported in the literature in individuals with C12orf65-related conditions. In summary, the available evidence is currently insufficient to determine the role of this variant in disease. Therefore, it has been classified as a Variant of Uncertain Significance.

NC_000012.12:g.(?_123253665)_(123257041_?)dup

Gene: MTRFR (mitochondrial translation release factor in rescue; plus strand). Cytogenetic location: 12q24.31.
Variant type: Duplication.
Identifiers: ClinVar variation 832824 (VCV000832824.1).